The following is an entry in ClinVar:

NM_004977.3(KCNC3):c.140G>A (p.Gly47Asp)

Genes: KCNC3 (potassium voltage-gated channel subfamily C member 3; minus strand), LOC111811967 (Sharpr-MPRA regulatory region 11330/13384; plus strand). Cytogenetic location: 19q13.33.
Variant type: single nucleotide variant.
Coding change: c.140G>A on transcript NM_004977.3 (MANE Select); coding-DNA position 140, G replaced by A.
Protein change: p.Gly47Asp; replaces glycine 47 with aspartic acid.
Molecular consequence: missense variant. On other transcripts: 5 prime UTR variant (1).
Genome position (GRCh38, 1-based): chr19:50,328,943, C>T on the plus strand (G>A on the coding strand, the complement: KCNC3 is on the minus strand). VCF-style: chr19-50328943-C-T. GRCh37 (hg19) VCF-style: chr19-50832200-C-T.
Other names: c.-89G>A (NM_001372305.1); short protein forms G47D.
Identifiers: ClinVar variation 1029909 (VCV001029909.5), dbSNP rs2037143763, ClinGen allele CA406956587.

ClinVar aggregate classification (germline): Uncertain significance. Review status: criteria provided, multiple submitters, no conflicts (2 of 4 stars). 4 submissions from 4 submitters: Uncertain significance (4). Last evaluated 2024-11-19.

Conditions:
Spinocerebellar ataxia type 13 (SCA13). Also called: Spinocerebellar Ataxia Type13. Identifiers: Orphanet 98768, MedGen C1854488, MONDO:0011529, OMIM 605259.

Allele frequency attached by ClinVar (database versions not stated): gnomAD exomes 0.00001.
gnomAD v4.1: 5 of 836,714 alleles (0.0006%); highest among the groups gnomAD compares: Admixed American, 0.0062%; no homozygotes.

Submissions (4):

Blueprint Genetics
Classification: Uncertain significance. Last evaluated: 2024-11-19. Review status: criteria provided, single submitter. Criteria: ACMG Guidelines, 2015. Collection method: clinical testing. Allele origin: germline.

Labcorp Genetics (formerly Invitae), Labcorp
Classification: Uncertain significance. Last evaluated: 2024-05-29. Review status: criteria provided, single submitter. Criteria: Invitae Variant Classification Sherloc (09022015). Collection method: clinical testing. Allele origin: germline.
Comment: This sequence change replaces glycine, which is neutral and non-polar, with aspartic acid, which is acidic and polar, at codon 47 of the KCNC3 protein (p.Gly47Asp). The frequency data for this variant in the population databases is considered unreliable, as metrics indicate insufficient coverage at this position in the gnomAD database. This variant has not been reported in the literature in individuals affected with KCNC3-related conditions. ClinVar contains an entry for this variant (Variation ID: 1029909). Advanced modeling of protein sequence and biophysical properties (such as structural, functional, and spatial information, amino acid conservation, physicochemical variation, residue mobility, and thermodynamic stability) performed at Invitae indicates that this missense variant is not expected to disrupt KCNC3 protein function with a negative predictive value of 95%. In summary, the available evidence is currently insufficient to determine the role of this variant in disease. Therefore, it has been classified as a Variant of Uncertain Significance.

Laboratorio de Genetica e Diagnostico Molecular, Hospital Israelita Albert Einstein
Classification: Uncertain significance for Spinocerebellar ataxia type 13. Last evaluated: 2023-04-04. Review status: criteria provided, single submitter. Criteria: ACMG Guidelines, 2015. Collection method: clinical testing. Allele origin: germline. Affected: yes.
Comment: ACMG classification criteria: PM2 moderate, BP4 supporting

Baylor Genetics
Classification: Uncertain significance for Spinocerebellar ataxia type 13. Last evaluated: 2020-06-16. Review status: criteria provided, single submitter. Criteria: ACMG Guidelines, 2015. Collection method: clinical testing. Allele origin: unknown. Affected: yes.
Comment: This variant was determined to be of uncertain significance according to ACMG Guidelines, 2015 [PMID:25741868].